The following is an entry in ClinVar:

ClinVar aggregate classification (germline): Uncertain significance. Review status: criteria provided, multiple submitters, no conflicts (2 of 4 stars). 2 submissions from 2 submitters: Uncertain significance (2). Last evaluated 2026-01-21.

Conditions:
Inborn genetic diseases. Identifiers: MedGen C0950123, MeSH D030342.

Submissions (2):

Labcorp Genetics (formerly Invitae), Labcorp
Classification: Uncertain significance. Last evaluated: 2026-01-21. Review status: criteria provided, single submitter. Criteria: Invitae Variant Classification Sherloc (09022015). Collection method: clinical testing. Allele origin: germline.
Comment: This sequence change replaces asparagine, which is neutral and polar, with threonine, which is neutral and polar, at codon 40 of the ITGA8 protein (p.Asn40Thr). This variant is not present in population databases (gnomAD no frequency). This variant has not been reported in the literature in individuals affected with ITGA8-related conditions. ClinVar contains an entry for this variant (Variation ID: 3861573). Invitae Evidence Modeling of protein sequence and biophysical properties (such as structural, functional, and spatial information, amino acid conservation, physicochemical variation, residue mobility, and thermodynamic stability) has been performed for this missense variant. However, the output from this modeling did not meet the statistical confidence thresholds required to predict the impact of this variant on ITGA8 protein function. In summary, the available evidence is currently insufficient to determine the role of this variant in disease. Therefore, it has been classified as a Variant of Uncertain Significance.

Ambry Genetics
Classification: Uncertain significance for Inborn genetic diseases. Last evaluated: 2024-12-31. Review status: criteria provided, single submitter. Criteria: Ambry Variant Classification Scheme 2023. Collection method: clinical testing. Allele origin: germline.

NM_003638.3(ITGA8):c.119A>C (p.Asn40Thr)

Gene: ITGA8 (integrin subunit alpha 8; minus strand). Cytogenetic location: 10p13.
Variant type: single nucleotide variant.
Coding change: c.119A>C on transcript NM_003638.3 (MANE Select); coding-DNA position 119, A replaced by C.
Protein change: p.Asn40Thr; replaces asparagine 40 with threonine.
Molecular consequence: missense variant.
Genome position (GRCh38, 1-based): chr10:15,719,653, T>G on the plus strand (A>C on the coding strand, the complement: ITGA8 is on the minus strand). VCF-style: chr10-15719653-T-G. GRCh37 (hg19) VCF-style: chr10-15761652-T-G.
Other names: c.119A>C, p.Asn40Thr (NM_001291494.2); short protein forms N40T.
Identifiers: ClinVar variation 3861573 (VCV003861573.2).
Genomic context (GRCh38, chr10:15,719,653, plus strand): 5'-GCGTAGCCGAAGTAGCTGCCCTTGGGGCCGCTGTACACTGTGAGCTTTTCCACGTCCAGG[T>G]TGAACGCCTGACAGGCGGGGGACCACAGCAACATCCCCAGCGCGGCCGCGGCGCAGCAGA-3'
Protein context (NP_003629.2, residues 30-50): LLWSPACQAF[Asn40Thr]LDVEKLTVYS